The following is an entry in ClinVar:

NM_177438.3(DICER1):c.2038G>A (p.Val680Ile)

Gene: DICER1 (dicer 1, ribonuclease III; minus strand). Cytogenetic location: 14q32.13.
Variant type: single nucleotide variant.
Coding change: c.2038G>A on transcript NM_177438.3 (MANE Select); coding-DNA position 2038, G replaced by A.
Protein change: p.Val680Ile; replaces valine 680 with isoleucine.
Molecular consequence: missense variant.
Genome position (GRCh38, 1-based): chr14:95,113,094, C>T on the plus strand (G>A on the coding strand, the complement: DICER1 is on the minus strand). VCF-style: chr14-95113094-C-T. GRCh37 (hg19) VCF-style: chr14-95579431-C-T.
Other names: c.2038G>A, p.Val680Ile (NM_001195573.1, NM_001271282.3, NM_001291628.2 and 1 more transcripts); short protein forms V680I.
Identifiers: ClinVar variation 412065 (VCV000412065.29), dbSNP rs201883449, ClinGen allele CA7331342.

ClinVar aggregate classification (germline): Benign/Likely benign. Review status: criteria provided, multiple submitters, no conflicts (2 of 4 stars). 4 submissions from 4 submitters: Benign (1); Likely benign (3). Last evaluated 2026-02-04.

Conditions:
DICER1-related disorder. Also called: DICER1-related condition.
Hereditary cancer-predisposing syndrome. Also called: Neoplastic Syndromes, Hereditary; Tumor predisposition; Hereditary Cancer Syndrome; Hereditary neoplastic syndrome. Identifiers: Orphanet 140162, MedGen C0027672, MeSH D009386, MONDO:0015356.
DICER1-related tumor predisposition. Also called: DICER1 syndrome; DICER1-related pleuropulmonary blastoma cancer predisposition syndrome. Identifiers: Orphanet 284343, MedGen C3839822, MONDO:0100216.
Ovarian cancer. Also called: OVARIAN CANCER, SOMATIC. Identifiers: Orphanet 213500, MedGen C1140680, MONDO:0008170, OMIM 167000.

Allele frequency attached by ClinVar (database versions not stated): gnomAD 0.00001; TOPMed 0.00003; ExAC 0.00005; gnomAD exomes 0.00005; 1000 Genomes Project 30x 0.00016; 1000 Genomes Project 0.00020.
gnomAD v4.1: 67 of 1,613,702 alleles (0.0042%); highest among the groups gnomAD compares: East Asian, 0.078%; no homozygotes.

Submissions (4):

Labcorp Genetics (formerly Invitae), Labcorp
Classification: Likely benign for DICER1-related tumor predisposition. Last evaluated: 2026-02-04. Review status: criteria provided, single submitter. Criteria: Invitae Variant Classification Sherloc (09022015). Collection method: clinical testing. Allele origin: germline.

PreventionGenetics, part of Exact Sciences
Classification: Likely benign for DICER1-related condition. Last evaluated: 2025-09-17. Review status: criteria provided, single submitter. Criteria: ACMG Guidelines, 2015. Collection method: clinical testing. Allele origin: germline.
Comment: This variant is classified as likely benign based on ACMG/AMP sequence variant interpretation guidelines (Richards et al. 2015 PMID: 25741868, with internal and published modifications).

Ambry Genetics
Classification: Likely benign for Hereditary cancer-predisposing syndrome. Last evaluated: 2022-08-22. Review status: criteria provided, single submitter. Criteria: Ambry Variant Classification Scheme 2023. Collection method: clinical testing. Allele origin: germline.

Laboratory of Molecular Epidemiology of Birth Defects, West China Second University Hospital, Sichuan University
Classification: Benign for Ovarian cancer. Last evaluated: 2022-01-01. Review status: criteria provided, single submitter. Criteria: ACMG Guidelines, 2015. Collection method: clinical testing. Allele origin: germline. Affected: yes.